The following is an entry in ClinVar:

NM_001206999.2(CIT):c.1260G>C (p.Ser420=)

Gene: CIT (citron rho-interacting serine/threonine kinase; minus strand). Cytogenetic location: 12q24.23.
Variant type: single nucleotide variant.
Coding change: c.1260G>C on transcript NM_001206999.2 (MANE Select); coding-DNA position 1260, G replaced by C.
Protein change: p.Ser420=; no amino-acid change (serine 420 retained).
Molecular consequence: synonymous variant.
Genome position (GRCh38, 1-based): chr12:119,803,241, C>G on the plus strand (G>C on the coding strand, the complement: CIT is on the minus strand). VCF-style: chr12-119803241-C-G. GRCh37 (hg19) VCF-style: chr12-120241045-C-G.
Other names: c.1260G>C, p.Ser420= (NM_007174.3).
Identifiers: ClinVar variation 5041088 (VCV005041088.1).

ClinVar aggregate classification (germline): Likely benign (1 of 4 stars; one submission).

gnomAD v4.1: 3 of 1,595,364 alleles (0.00019%); highest among the groups gnomAD compares: Admixed American, 0.0053%; no homozygotes.

Submission:

CeGaT Center for Human Genetics Tuebingen
Classification: Likely benign. Last evaluated: 2026-09-01. Review status: criteria provided, single submitter. Criteria: CeGaT Center For Human Genetics Tuebingen Variant Classification Criteria Version 2. Collection method: clinical testing. Allele origin: germline. Affected: yes. Observed: 1 variant allele.
Comment: CIT: BP4, BP7